The following is an entry in ClinVar:

ClinVar aggregate classification (germline): Likely benign. Review status: criteria provided, multiple submitters, no conflicts (2 of 4 stars). 2 submissions from 2 submitters: Likely benign (2). Last evaluated 2024-02-01.

Allele frequency attached by ClinVar (database versions not stated): TOPMed below 0.00001; gnomAD exomes 0.00001.

Submissions (2):

CeGaT Center for Human Genetics Tuebingen
Classification: Likely benign. Last evaluated: 2024-02-01. Review status: criteria provided, single submitter. Criteria: CeGaT Center For Human Genetics Tuebingen Variant Classification Criteria Version 2. Collection method: clinical testing. Allele origin: germline. Affected: yes. Observed: 1 variant allele.
Comment: PCNT: BP4, BP7

Labcorp Genetics (formerly Invitae), Labcorp
Classification: Likely benign. Last evaluated: 2022-12-14. Review status: criteria provided, single submitter. Criteria: Invitae Variant Classification Sherloc (09022015). Collection method: clinical testing. Allele origin: germline.

NM_006031.6(PCNT):c.576A>G (p.Pro192=)

Gene: PCNT (pericentrin; plus strand). Cytogenetic location: 21q22.3.
Variant type: single nucleotide variant.
Coding change: c.576A>G on transcript NM_006031.6 (MANE Select); coding-DNA position 576, A replaced by G.
Protein change: p.Pro192=; no amino-acid change (proline 192 retained).
Molecular consequence: synonymous variant.
Genome position (GRCh38, 1-based): chr21:46,334,705, A>G. VCF-style: chr21-46334705-A-G. GRCh37 (hg19) VCF-style: chr21-47754619-A-G.
Other names: c.222A>G, p.Pro74= (NM_001315529.2).
Identifiers: ClinVar variation 2872712 (VCV002872712.25), dbSNP rs1299038069, ClinGen allele CA513172871.